The following is an entry in ClinVar:

NM_006231.4(POLE):c.4858G>A (p.Gly1620Arg)

Gene: POLE (DNA polymerase epsilon, catalytic subunit; minus strand). Cytogenetic location: 12q24.33.
Variant type: single nucleotide variant.
Coding change: c.4858G>A on transcript NM_006231.4 (MANE Select); coding-DNA position 4858, G replaced by A.
Protein change: p.Gly1620Arg; replaces glycine 1620 with arginine.
Molecular consequence: missense variant.
Genome position (GRCh38, 1-based): chr12:132,642,600, C>T on the plus strand (G>A on the coding strand, the complement: POLE is on the minus strand). VCF-style: chr12-132642600-C-T. GRCh37 (hg19) VCF-style: chr12-133219186-C-T.
Other names: short protein forms G1620R.
Identifiers: ClinVar variation 5027111 (VCV005027111.1).

ClinVar aggregate classification (germline): Uncertain significance (1 of 4 stars; one submission).

Conditions:
Hereditary cancer-predisposing syndrome. Also called: Neoplastic Syndromes, Hereditary; Tumor predisposition; Hereditary neoplastic syndrome; Hereditary Cancer Syndrome. Identifiers: Orphanet 140162, MedGen C0027672, MeSH D009386, MONDO:0015356.

Submission:

Ambry Genetics
Classification: Uncertain significance for Hereditary cancer-predisposing syndrome. Last evaluated: 2026-08-13. Review status: criteria provided, single submitter. Criteria: Ambry Variant Classification Scheme 2023. Collection method: clinical testing. Allele origin: germline.
Comment: The p.G1620R variant (also known as c.4858G>A), located in coding exon 37 of the POLE gene, results from a G to A substitution at nucleotide position 4858. The glycine at codon 1620 is replaced by arginine, an amino acid with dissimilar properties. This amino acid position is not well conserved in available vertebrate species. In addition, this alteration is predicted to be tolerated by in silico analysis. Based on the available evidence, the clinical significance of this variant remains unclear.